The following is an entry in ClinVar:

NM_001109878.2(TBX22):c.166G>T (p.Glu56Ter)

Gene: TBX22 (T-box transcription factor 22). Cytogenetic location: Xq21.1.
Variant type: single nucleotide variant.
Coding change: c.166G>T on transcript NM_001109878.2 (MANE Select); coding-DNA position 166, G replaced by T.
Protein change: p.Glu56Ter; replaces glutamic acid 56 with a stop codon.
Molecular consequence: nonsense. On other transcripts: 5 prime UTR variant (1).
Genome position (GRCh38, 1-based): chrX:80,022,435, G>T. VCF-style: chrX-80022435-G-T. GRCh37 (hg19) VCF-style: chrX-79277934-G-T.
Other names: c.-191G>T (NM_001109879.2); c.166G>T, p.Glu56Ter (NM_016954.2); short protein forms E56*.
Identifiers: ClinVar variation 11333 (VCV000011333.3), dbSNP rs104894945, ClinGen allele CA121425.

ClinVar aggregate classification (germline): Likely pathogenic. Review status: criteria provided, single submitter (1 of 4 stars). 2 submissions from 2 submitters: Likely pathogenic (1). 1 of the submissions does not count toward it. Last evaluated 2025-07-22.

Conditions:
Cleft palate with ankyloglossia. Identifiers: MedGen C1844831.
Cleft palate with or without ankyloglossia, X-linked. Identifiers: Orphanet 324601, MedGen C1844830, MONDO:0010560, OMIM 303400.

Submissions (2):

Victorian Clinical Genetics Services, Murdoch Childrens Research Institute
Classification: Likely pathogenic for Cleft palate with or without ankyloglossia, X-linked. Last evaluated: 2025-07-22. Review status: criteria provided, single submitter. Criteria: ACMG Guidelines, 2015. Collection method: clinical testing. Allele origin: germline. Affected: yes.
Comment: This variant is classified as Likely pathogenic. Evidence in support of pathogenic classification: Variant is predicted to cause nonsense-mediated decay (NMD) and loss of protein (premature termination codon is located at least 54 nucleotides upstream of the final exon-exon junction); Variant is absent from gnomAD (v2, v3 and v4); This variant has limited previous evidence of pathogenicity in an unrelated individual(s). The variant was inherited from their mother, who only had ankyloglossia (PMID: 11559848); Other NMD-predicted variant(s) comparable to the one identified in this case have moderate previous evidence for pathogenicity. p.(Arg223Glufs*4) and p.(Arg36GlyfsTer23), referred to as c.671delC and c.105-106delGC in the literature respectively, have each been identified in families with cleft palate with ankyloglossia (PMIDs: 11559848, 14729838). Additional information: This variant is hemizygous; This gene is associated with X-linked disease. Heterozygous females are commonly asymptomatic or present with ankyglossia only; however, may present with cleft palate (PMID: 14729838); No published functional evidence has been identified for this variant; Loss of function is a known mechanism of disease in this gene and is associated with cleft palate with ankyloglossia (MIM#303400).

OMIM
Classification: Pathogenic for CLEFT PALATE WITH ANKYLOGLOSSIA. Last evaluated: 2001-10-01. Review status: no assertion criteria provided. Collection method: literature only. Allele origin: germline. Not counted in ClinVar's aggregate classification.

Literature cited by the submitters: PubMed 14729838 (cited by Victorian Clinical Genetics Services, Murdoch Childrens Research Institute); PubMed 11559848 (cited by Victorian Clinical Genetics Services, Murdoch Childrens Research Institute and OMIM).